The following is an entry in ClinVar:

NM_022124.6(CDH23):c.1699G>A (p.Val567Met)

Gene: CDH23 (cadherin related 23; plus strand). Cytogenetic location: 10q22.1.
Variant type: single nucleotide variant.
Coding change: c.1699G>A on transcript NM_022124.6 (MANE Select); coding-DNA position 1699, G replaced by A.
Protein change: p.Val567Met; replaces valine 567 with methionine.
Molecular consequence: missense variant.
Genome position (GRCh38, 1-based): chr10:71,677,640, G>A. VCF-style: chr10-71677640-G-A. GRCh37 (hg19) VCF-style: chr10-73437397-G-A.
Other names: c.1699G>A, p.Val567Met (NM_001171930.2, NM_001171931.2); short protein forms V567M.
Identifiers: ClinVar variation 991909 (VCV000991909.9), dbSNP rs377148854, ClinGen allele CA5543929.

ClinVar aggregate classification (germline): Uncertain significance. Review status: criteria provided, multiple submitters, no conflicts (2 of 4 stars). 4 submissions from 4 submitters: Uncertain significance (3). 1 of the submissions does not count toward it. Last evaluated 2025-04-11.

Conditions:
Usher syndrome type 1D (USH1D). Also called: USHER SYNDROME, TYPE ID. Identifiers: Orphanet 231169, Orphanet 886, MedGen C1832845, MONDO:0010984, OMIM 601067.
Autosomal recessive nonsyndromic hearing loss 12. Also called: DEAFNESS, AUTOSOMAL RECESSIVE 12. Identifiers: Orphanet 90636, MedGen C1832394, MONDO:0011067, OMIM 601386.
Pituitary adenoma 5, multiple types. Identifiers: MedGen C4539685, MONDO:0054601, OMIM 617540.
Usher syndrome type 1 (USH1). Also called: RETINITIS PIGMENTOSA AND CONGENITAL DEAFNESS. Identifiers: Orphanet 231169, Orphanet 886, MedGen C1568247, MONDO:0010168, OMIM 276900.

Allele frequency attached by ClinVar (database versions not stated): gnomAD exomes 0.00002 and 0.00006; ESP Exome Variant Server 0.00008; TOPMed 0.00008; ExAC 0.00016.
gnomAD v4.1: 42 of 1,591,062 alleles (0.0026%); highest among the groups gnomAD compares: South Asian, 0.023%; no homozygotes.

Submissions (4):

Labcorp Genetics (formerly Invitae), Labcorp
Classification: Uncertain significance. Last evaluated: 2025-04-11. Review status: criteria provided, single submitter. Criteria: Invitae Variant Classification Sherloc (09022015). Collection method: clinical testing. Allele origin: germline.
Comment: This sequence change replaces valine, which is neutral and non-polar, with methionine, which is neutral and non-polar, at codon 567 of the CDH23 protein (p.Val567Met). This variant is present in population databases (rs377148854, gnomAD 0.04%). This variant has not been reported in the literature in individuals affected with CDH23-related conditions. ClinVar contains an entry for this variant (Variation ID: 991909). Invitae Evidence Modeling of protein sequence and biophysical properties (such as structural, functional, and spatial information, amino acid conservation, physicochemical variation, residue mobility, and thermodynamic stability) has been performed for this missense variant. However, the output from this modeling did not meet the statistical confidence thresholds required to predict the impact of this variant on CDH23 protein function. In summary, the available evidence is currently insufficient to determine the role of this variant in disease. Therefore, it has been classified as a Variant of Uncertain Significance.

Fulgent Genetics
Classification: Uncertain significance for Usher syndrome type 1D; Autosomal recessive nonsyndromic hearing loss 12; Pituitary adenoma 5, multiple types. Last evaluated: 2021-09-28. Review status: criteria provided, single submitter. Criteria: ACMG Guidelines, 2015. Collection method: clinical testing. Allele origin: unknown.

Blueprint Genetics
Classification: Uncertain significance. Last evaluated: 2018-06-15. Review status: criteria provided, single submitter. Criteria: ACMG Guidelines, 2015. Collection method: clinical testing. Allele origin: germline.

Natera, Inc.
Classification: Uncertain significance for Usher syndrome type 1. Last evaluated: 2020-04-11. Review status: no assertion criteria provided. Collection method: clinical testing. Allele origin: germline. Not counted in ClinVar's aggregate classification.